The following is an entry in ClinVar:

NM_005732.4(RAD50):c.129G>A (p.Thr43=)

Gene: RAD50 (RAD50 double strand break repair protein; plus strand). Cytogenetic location: 5q31.1.
Variant type: single nucleotide variant.
Coding change: c.129G>A on transcript NM_005732.4 (MANE Select); coding-DNA position 129, G replaced by A.
Protein change: p.Thr43=; no amino-acid change (threonine 43 retained).
Molecular consequence: synonymous variant.
Genome position (GRCh38, 1-based): chr5:132,557,453, G>A. VCF-style: chr5-132557453-G-A. GRCh37 (hg19) VCF-style: chr5-131893145-G-A.
Identifiers: ClinVar variation 967501 (VCV000967501.8), dbSNP rs1750023773, ClinGen allele CA446361549.

ClinVar aggregate classification (germline): Uncertain significance (1 of 4 stars; one submission).

Conditions:
Hereditary cancer-predisposing syndrome. Also called: Hereditary neoplastic syndrome; Neoplastic Syndromes, Hereditary; Hereditary Cancer Syndrome; Tumor predisposition. Identifiers: Orphanet 140162, MedGen C0027672, MeSH D009386, MONDO:0015356.

Submission:

Labcorp Genetics (formerly Invitae), Labcorp
Classification: Uncertain significance for Hereditary cancer-predisposing syndrome. Last evaluated: 2022-03-15. Review status: criteria provided, single submitter. Criteria: Invitae Variant Classification Sherloc (09022015). Collection method: clinical testing. Allele origin: germline.
Comment: This variant has not been reported in the literature in individuals affected with RAD50-related conditions. In summary, the available evidence is currently insufficient to determine the role of this variant in disease. Therefore, it has been classified as a Variant of Uncertain Significance. Variants that disrupt the consensus splice site are a relatively common cause of aberrant splicing (PMID: 17576681, 9536098). Algorithms developed to predict the effect of sequence changes on RNA splicing suggest that this variant may disrupt the consensus splice site. ClinVar contains an entry for this variant (Variation ID: 967501). This variant is not present in population databases (gnomAD no frequency). This sequence change affects codon 43 of the RAD50 mRNA. It is a 'silent' change, meaning that it does not change the encoded amino acid sequence of the RAD50 protein. This variant also falls at the last nucleotide of exon 1, which is part of the consensus splice site for this exon.

Literature cited by the submitters: PubMed 17576681; PubMed 9536098.